The following is an entry in ClinVar:

NM_006231.4(POLE):c.1836C>G (p.Asp612Glu)

Gene: POLE (DNA polymerase epsilon, catalytic subunit; minus strand). Cytogenetic location: 12q24.33.
Variant type: single nucleotide variant.
Coding change: c.1836C>G on transcript NM_006231.4 (MANE Select); coding-DNA position 1836, C replaced by G.
Protein change: p.Asp612Glu; replaces aspartic acid 612 with glutamic acid.
Molecular consequence: missense variant.
Genome position (GRCh38, 1-based): chr12:132,668,898, G>C on the plus strand (C>G on the coding strand, the complement: POLE is on the minus strand). VCF-style: chr12-132668898-G-C. GRCh37 (hg19) VCF-style: chr12-133245484-G-C.
Other names: short protein forms D612E.
Identifiers: ClinVar variation 656184 (VCV000656184.8), dbSNP rs116456858, ClinGen allele CA387355554.

ClinVar aggregate classification (germline): Uncertain significance (1 of 4 stars; one submission).

Submission:

Labcorp Genetics (formerly Invitae), Labcorp
Classification: Uncertain significance. Last evaluated: 2023-05-08. Review status: criteria provided, single submitter. Criteria: Invitae Variant Classification Sherloc (09022015). Collection method: clinical testing. Allele origin: germline.
Comment: In summary, the available evidence is currently insufficient to determine the role of this variant in disease. Therefore, it has been classified as a Variant of Uncertain Significance. Advanced modeling of protein sequence and biophysical properties (such as structural, functional, and spatial information, amino acid conservation, physicochemical variation, residue mobility, and thermodynamic stability) performed at Invitae indicates that this missense variant is not expected to disrupt POLE protein function. ClinVar contains an entry for this variant (Variation ID: 656184). This variant has not been reported in the literature in individuals affected with POLE-related conditions. This variant is not present in population databases (gnomAD no frequency). This sequence change replaces aspartic acid, which is acidic and polar, with glutamic acid, which is acidic and polar, at codon 612 of the POLE protein (p.Asp612Glu).